The following is an entry in ClinVar:

NM_002439.5(MSH3):c.1153A>C (p.Asn385His)

Gene: MSH3 (mutS homolog 3; plus strand). Cytogenetic location: 5q14.1.
Variant type: single nucleotide variant.
Coding change: c.1153A>C on transcript NM_002439.5 (MANE Select); coding-DNA position 1153, A replaced by C.
Protein change: p.Asn385His; replaces asparagine 385 with histidine.
Molecular consequence: missense variant.
Genome position (GRCh38, 1-based): chr5:80,675,108, A>C. VCF-style: chr5-80675108-A-C. GRCh37 (hg19) VCF-style: chr5-79970927-A-C.
Other names: c.1153A>C (NM_002439.3); short protein forms N385H.
Identifiers: ClinVar variation 2864132 (VCV002864132.4), dbSNP rs2546724413, ClinGen allele CA360268348.

ClinVar aggregate classification (germline): Uncertain significance. Review status: criteria provided, multiple submitters, no conflicts (2 of 4 stars). 2 submissions from 2 submitters: Uncertain significance (2). Last evaluated 2026-03-09.

Conditions:
Hereditary cancer-predisposing syndrome. Also called: Tumor predisposition; Neoplastic Syndromes, Hereditary; Hereditary Cancer Syndrome; Hereditary neoplastic syndrome. Identifiers: Orphanet 140162, MedGen C0027672, MeSH D009386, MONDO:0015356.

Submissions (2):

Ambry Genetics
Classification: Uncertain significance for Hereditary cancer-predisposing syndrome. Last evaluated: 2026-03-09. Review status: criteria provided, single submitter. Criteria: Ambry Variant Classification Scheme 2023. Collection method: clinical testing. Allele origin: germline.
Comment: The p.N385H variant (also known as c.1153A>C), located in coding exon 7 of the MSH3 gene, results from an A to C substitution at nucleotide position 1153. The asparagine at codon 385 is replaced by histidine, an amino acid with similar properties. This amino acid position is conserved. In addition, this alteration is predicted to be tolerated by in silico analysis. Based on the available evidence, the clinical significance of this variant remains unclear.

Labcorp Genetics (formerly Invitae), Labcorp
Classification: Uncertain significance. Last evaluated: 2023-12-13. Review status: criteria provided, single submitter. Criteria: Invitae Variant Classification Sherloc (09022015). Collection method: clinical testing. Allele origin: germline.
Comment: This sequence change replaces asparagine, which is neutral and polar, with histidine, which is basic and polar, at codon 385 of the MSH3 protein (p.Asn385His). This variant is not present in population databases (gnomAD no frequency). This variant has not been reported in the literature in individuals affected with MSH3-related conditions. An algorithm developed to predict the effect of missense changes on protein structure and function (PolyPhen-2) suggests that this variant is likely to be tolerated. In summary, the available evidence is currently insufficient to determine the role of this variant in disease. Therefore, it has been classified as a Variant of Uncertain Significance.